The following is an entry in ClinVar:

ClinVar aggregate classification (germline): Benign (1 of 4 stars; one submission).

Allele frequency attached by ClinVar (database versions not stated): gnomAD 0.00076; TOPMed 0.00080.
gnomAD v4.1: 115 of 152,276 alleles (0.076%); highest among the groups gnomAD compares: Non-Finnish European, 0.13%; no homozygotes.

Submission:

CeGaT Center for Human Genetics Tuebingen
Classification: Benign. Last evaluated: 2023-01-01. Review status: criteria provided, single submitter. Criteria: CeGaT Center For Human Genetics Tuebingen Variant Classification Criteria Version 2. Collection method: clinical testing. Allele origin: germline. Affected: yes. Observed: 3 variant alleles.
Comment: CDK13: BS1, BS2

NM_003718.5(CDK13):c.2600+4999G>C

Gene: CDK13 (cyclin dependent kinase 13; plus strand). Cytogenetic location: 7p14.1.
Variant type: single nucleotide variant.
Coding change: c.2600+4999G>C on transcript NM_003718.5 (MANE Select); 4999 bases into the intron after coding-DNA position 2600, G replaced by C.
Molecular consequence: intron variant.
Genome position (GRCh38, 1-based): chr7:40,052,876, G>C. VCF-style: chr7-40052876-G-C. GRCh37 (hg19) VCF-style: chr7-40092475-G-C.
Other names: c.2600+4999G>C (NM_031267.3).
Identifiers: ClinVar variation 2657403 (VCV002657403.24), dbSNP rs575992373, ClinGen allele CA157244373.